The following is an entry in ClinVar:

ClinVar aggregate classification (germline): Uncertain significance (1 of 4 stars; one submission).

Conditions:
Episodic ataxia type 1 (EA1). Also called: PAROXYSMAL ATAXIA WITH NEUROMYOTONIA, HEREDITARY; ATAXIA, EPISODIC, WITH MYOKYMIA; MYOKYMIA WITH PERIODIC ATAXIA; Episodic ataxia/myokymia syndrome. Identifiers: Orphanet 37612, Orphanet 972, MedGen C1719788, MONDO:0008047, OMIM 160120.

Submission:

Labcorp Genetics (formerly Invitae), Labcorp
Classification: Uncertain significance for Episodic ataxia type 1. Last evaluated: 2025-11-25. Review status: criteria provided, single submitter. Criteria: Invitae Variant Classification Sherloc (09022015). Collection method: clinical testing. Allele origin: germline.
Comment: This sequence change replaces phenylalanine, which is neutral and non-polar, with isoleucine, which is neutral and non-polar, at codon 113 of the KCNA1 protein (p.Phe113Ile). This variant is not present in population databases (gnomAD no frequency). This variant has not been reported in the literature in individuals affected with KCNA1-related conditions. ClinVar contains an entry for this variant (Variation ID: 1355593). Invitae Evidence Modeling of protein sequence and biophysical properties (such as structural, functional, and spatial information, amino acid conservation, physicochemical variation, residue mobility, and thermodynamic stability) indicates that this missense variant is expected to disrupt KCNA1 protein function with a positive predictive value of 95%. In summary, the available evidence is currently insufficient to determine the role of this variant in disease. Therefore, it has been classified as a Variant of Uncertain Significance.

NM_000217.3(KCNA1):c.337T>A (p.Phe113Ile)

Gene: KCNA1 (potassium voltage-gated channel subfamily A member 1; plus strand). Cytogenetic location: 12p13.32.
Variant type: single nucleotide variant.
Coding change: c.337T>A on transcript NM_000217.3 (MANE Select); coding-DNA position 337, T replaced by A.
Protein change: p.Phe113Ile; replaces phenylalanine 113 with isoleucine.
Molecular consequence: missense variant.
Genome position (GRCh38, 1-based): chr12:4,911,715, T>A. VCF-style: chr12-4911715-T-A. GRCh37 (hg19) VCF-style: chr12-5020881-T-A.
Other names: short protein forms F113I.
Identifiers: ClinVar variation 1355593 (VCV001355593.8), dbSNP rs2137673007, ClinGen allele CA383454325.